The following is an entry in ClinVar:

ClinVar aggregate classification (germline): Uncertain significance. Review status: criteria provided, multiple submitters, no conflicts (2 of 4 stars). 2 submissions from 2 submitters: Uncertain significance (2). Last evaluated 2025-10-07.

Conditions:
Hereditary cancer-predisposing syndrome. Also called: Hereditary neoplastic syndrome; Neoplastic Syndromes, Hereditary; Hereditary Cancer Syndrome; Tumor predisposition. Identifiers: Orphanet 140162, MedGen C0027672, MeSH D009386, MONDO:0015356.
Neuroblastoma, susceptibility to, 3. Also called: ALK-Related Neuroblastic Tumor Susceptibility. Identifiers: Orphanet 635, MedGen C2751681, MONDO:0013083, OMIM 613014.

Allele frequency attached by ClinVar (database versions not stated): gnomAD exomes below 0.00001; TOPMed below 0.00001; gnomAD 0.00001.
gnomAD v4.1: 2 of 1,613,976 alleles (0.00012%); highest among the groups gnomAD compares: Non-Finnish European, 0.00017%; no homozygotes.

Submissions (2):

Ambry Genetics
Classification: Uncertain significance for Hereditary cancer-predisposing syndrome. Last evaluated: 2025-10-07. Review status: criteria provided, single submitter. Criteria: Ambry Variant Classification Scheme 2023. Collection method: clinical testing. Allele origin: germline.
Comment: The p.S1334G variant (also known as c.4000A>G), located in coding exon 27 of the ALK gene, results from an A to G substitution at nucleotide position 4000. The serine at codon 1334 is replaced by glycine, an amino acid with similar properties. This amino acid position is conserved. In addition, the in silico prediction for this alteration is inconclusive. Based on the available evidence, the clinical significance of this variant remains unclear.

Labcorp Genetics (formerly Invitae), Labcorp
Classification: Uncertain significance for Neuroblastoma, susceptibility to, 3. Last evaluated: 2023-04-15. Review status: criteria provided, single submitter. Criteria: Invitae Variant Classification Sherloc (09022015). Collection method: clinical testing. Allele origin: germline.
Comment: This sequence change replaces serine, which is neutral and polar, with glycine, which is neutral and non-polar, at codon 1334 of the ALK protein (p.Ser1334Gly). This variant is present in population databases (no rsID available, gnomAD 0.007%). This variant has not been reported in the literature in individuals affected with ALK-related conditions. ClinVar contains an entry for this variant (Variation ID: 570019). An algorithm developed to predict the effect of missense changes on protein structure and function (PolyPhen-2) suggests that this variant is likely to be disruptive. In summary, the available evidence is currently insufficient to determine the role of this variant in disease. Therefore, it has been classified as a Variant of Uncertain Significance.

NM_004304.5(ALK):c.4000A>G (p.Ser1334Gly)

Gene: ALK (ALK receptor tyrosine kinase; minus strand). Cytogenetic location: 2p23.2.
Variant type: single nucleotide variant.
Coding change: c.4000A>G on transcript NM_004304.5 (MANE Select); coding-DNA position 4000, A replaced by G.
Protein change: p.Ser1334Gly; replaces serine 1334 with glycine.
Molecular consequence: missense variant.
Genome position (GRCh38, 1-based): chr2:29,197,615, T>C on the plus strand (A>G on the coding strand, the complement: ALK is on the minus strand). VCF-style: chr2-29197615-T-C. GRCh37 (hg19) VCF-style: chr2-29420481-T-C.
Other names: c.796A>G, p.Ser266Gly (NM_001353765.2); short protein forms S1334G, S266G.
Identifiers: ClinVar variation 570019 (VCV000570019.12), dbSNP rs1307066116, ClinGen allele CA346466169.